The following is an entry in ClinVar:

NM_007294.4(BRCA1):c.4358-1705T>C

Gene: BRCA1 (BRCA1 DNA repair associated; minus strand). Cytogenetic location: 17q21.31.
Variant type: single nucleotide variant.
Coding change: c.4358-1705T>C on transcript NM_007294.4 (MANE Select); 1705 bases into the intron before coding-DNA position 4358, T replaced by C.
Molecular consequence: intron variant.
Genome position (GRCh38, 1-based): chr17:43,078,319, A>G on the plus strand (T>C on the coding strand, the complement: BRCA1 is on the minus strand). VCF-style: chr17-43078319-A-G. GRCh37 (hg19) VCF-style: chr17-41230336-A-G.
Other names: IVS 13-1705T>C; c.926-1708T>C (NM_001408438.1, NM_001408439.1, NM_001408440.1 and 2 more transcripts); c.926-1705T>C (NM_001408430.1, NM_001408427.1, NM_001408425.1 and 3 more transcripts); c.4232-1708T>C (NM_001407682.1, NM_001407689.1, NM_001407681.1 and 3 more transcripts); c.4232-1705T>C (NM_001407676.1, NM_001407670.1, NM_001407675.1 and 5 more transcripts); c.4235-1708T>C (NM_001407863.1, NM_001407679.1, NM_001407680.1 and 3 more transcripts); c.4235-1705T>C (NM_001407938.1, NM_001407667.1, NM_001407668.1 and 6 more transcripts); c.932-1708T>C (NM_001408423.1, NM_001408422.1); and 99 more.
Identifiers: ClinVar variation 209390 (VCV000209390.2), dbSNP rs8176201, ClinGen allele CA276362.

ClinVar aggregate classification (germline): Benign (3 of 4 stars; one submission).

Conditions:
Breast-ovarian cancer, familial, susceptibility to, 1 (BROVCA1). Also called: BRCA1 Hereditary Breast and Ovarian Cancer; OVARIAN CANCER, SUSCEPTIBILITY TO. Identifiers: Orphanet 145, MedGen C2676676, MONDO:0011450, OMIM 604370. Disease mechanism: loss of function.

Allele frequency attached by ClinVar (database versions not stated): TOPMed 0.28265; gnomAD 0.29068 and 0.29935; 1000 Genomes Project 30x 0.32901; 1000 Genomes Project 0.33486.

Submission:

Evidence-based Network for the Interpretation of Germline Mutant Alleles (ENIGMA)
Classification: Benign for Breast-ovarian cancer, familial 1. Last evaluated: 2015-01-12. Review status: reviewed by expert panel. Criteria: ENIGMA BRCA1/2 Classification Criteria (2015). Collection method: curation. Allele origin: germline.
Comment: Class 1 not pathogenic based on frequency >1% in an outbred sampleset. Frequency 0.3234 (Asian), 0.128 (African), 0.3522 (European), derived from 1000 genomes (2012-04-30).